The following is an entry in ClinVar:

ClinVar aggregate classification (germline): Uncertain significance (1 of 4 stars; one submission).

Conditions:
Spastic paraplegia. Identifiers: MedGen C0037772, HP:0001258.

Submission:

Labcorp Genetics (formerly Invitae), Labcorp
Classification: Uncertain significance for Spastic paraplegia. Last evaluated: 2021-06-07. Review status: criteria provided, single submitter. Criteria: Invitae Variant Classification Sherloc (09022015). Collection method: clinical testing. Allele origin: germline.
Comment: This sequence change replaces aspartic acid with histidine at codon 93 of the AP4E1 protein (p.Asp93His). The aspartic acid residue is moderately conserved and there is a moderate physicochemical difference between aspartic acid and histidine. This variant is not present in population databases (ExAC no frequency). This variant has not been reported in the literature in individuals with AP4E1-related conditions. Algorithms developed to predict the effect of missense changes on protein structure and function are either unavailable or do not agree on the potential impact of this missense change (SIFT: "Deleterious"; PolyPhen-2: "Possibly Damaging"; Align-GVGD: "Class C0"). In summary, the available evidence is currently insufficient to determine the role of this variant in disease. Therefore, it has been classified as a Variant of Uncertain Significance.

NM_007347.5(AP4E1):c.277G>C (p.Asp93His)

Gene: AP4E1 (adaptor related protein complex 4 subunit epsilon 1; plus strand). Cytogenetic location: 15q21.2.
Variant type: single nucleotide variant.
Coding change: c.277G>C on transcript NM_007347.5 (MANE Select); coding-DNA position 277, G replaced by C.
Protein change: p.Asp93His; replaces aspartic acid 93 with histidine.
Molecular consequence: missense variant.
Genome position (GRCh38, 1-based): chr15:50,915,502, G>C. VCF-style: chr15-50915502-G-C. GRCh37 (hg19) VCF-style: chr15-51207699-G-C.
Other names: c.52G>C, p.Asp18His (NM_001252127.2); short protein forms D18H, D93H.
Identifiers: ClinVar variation 1471999 (VCV001471999.8), dbSNP rs2141131462, ClinGen allele CA392412566.